The following is an entry in ClinVar:

ClinVar aggregate classification (germline): Uncertain significance (1 of 4 stars; one submission).

gnomAD v4.1: 2 of 1,613,332 alleles (0.00012%); highest among the groups gnomAD compares: Non-Finnish European, 0.00017%; no homozygotes.

Submission:

Labcorp Genetics (formerly Invitae), Labcorp
Classification: Uncertain significance. Last evaluated: 2024-10-24. Review status: criteria provided, single submitter. Criteria: Invitae Variant Classification Sherloc (09022015). Collection method: clinical testing. Allele origin: germline.
Comment: This sequence change replaces isoleucine, which is neutral and non-polar, with valine, which is neutral and non-polar, at codon 194 of the TRPC3 protein (p.Ile194Val). This variant is not present in population databases (gnomAD no frequency). This variant has not been reported in the literature in individuals affected with TRPC3-related conditions. Invitae Evidence Modeling of protein sequence and biophysical properties (such as structural, functional, and spatial information, amino acid conservation, physicochemical variation, residue mobility, and thermodynamic stability) has been performed for this missense variant. However, the output from this modeling did not meet the statistical confidence thresholds required to predict the impact of this variant on TRPC3 protein function. In summary, the available evidence is currently insufficient to determine the role of this variant in disease. Therefore, it has been classified as a Variant of Uncertain Significance.

NM_001130698.2(TRPC3):c.580A>G (p.Ile194Val)

Gene: TRPC3 (transient receptor potential cation channel subfamily C member 3; minus strand). Cytogenetic location: 4q27.
Variant type: single nucleotide variant.
Coding change: c.580A>G on transcript NM_001130698.2 (MANE Select); coding-DNA position 580, A replaced by G.
Protein change: p.Ile194Val; replaces isoleucine 194 with valine.
Molecular consequence: missense variant.
Genome position (GRCh38, 1-based): chr4:121,932,678, T>C on the plus strand (A>G on the coding strand, the complement: TRPC3 is on the minus strand). VCF-style: chr4-121932678-T-C. GRCh37 (hg19) VCF-style: chr4-122853833-T-C.
Other names: c.580A>G, p.Ile194Val (NM_001366479.2); c.361A>G, p.Ile121Val (NM_003305.2); short protein forms I121V, I194V.
Identifiers: ClinVar variation 2974282 (VCV002974282.3), dbSNP rs2476945825, ClinGen allele CA358048557.
Genomic context (GRCh38, chr4:121,932,678, plus strand): 5'-CCTGCTCACAGGGGCTCAGAGTGAGACGCTTGCTGGCCGCGAAGCCAGGGTGGTTGAGGA[T>C]GGCCTCTACGATGCGCACGTAGCCCTTGCTGATGGCGAGCAGCAGGGCGTCGCCAATGCG-3'
Protein context (NP_001124170.1, residues 184-204): SKGYVRIVEA[Ile194Val]LNHPGFAASK